The following is an entry in ClinVar:

ClinVar aggregate classification (germline): Uncertain significance (1 of 4 stars; one submission).

Submission:

CeGaT Center for Human Genetics Tuebingen
Classification: Uncertain significance. Last evaluated: 2025-02-01. Review status: criteria provided, single submitter. Criteria: CeGaT Center For Human Genetics Tuebingen Variant Classification Criteria Version 2. Collection method: clinical testing. Allele origin: germline. Affected: yes. Observed: 1 variant allele.
Comment: SLC25A38: PM2, BP4

NM_017875.4(SLC25A38):c.673A>T (p.Ile225Leu)

Gene: SLC25A38 (solute carrier family 25 member 38; plus strand). Cytogenetic location: 3p22.1.
Variant type: single nucleotide variant.
Coding change: c.673A>T on transcript NM_017875.4 (MANE Select); coding-DNA position 673, A replaced by T.
Protein change: p.Ile225Leu; replaces isoleucine 225 with leucine.
Molecular consequence: missense variant. On other transcripts: intron variant (1).
Genome position (GRCh38, 1-based): chr3:39,394,457, A>T. VCF-style: chr3-39394457-A-T. GRCh37 (hg19) VCF-style: chr3-39435948-A-T.
Other names: c.626-1941A>T (NM_001354798.2); short protein forms I225L.
Identifiers: ClinVar variation 3772609 (VCV003772609.13).
Genomic context (GRCh38, chr3:39,394,457, plus strand): 5'-TGTTCTATTTCAGACCAGGTGGATGCAACCCTTATTCCTATTACAAATTTCAGCTGTGGG[A>T]TATTTGCTGGTATTCTGGCCTCACTGGTAACTCAACCTGCGGATGTTATCAAAACTCATA-3'
Protein context (NP_060345.2, residues 215-235): LIPITNFSCG[Ile225Leu]FAGILASLVT